The following is an entry in ClinVar:

NM_130837.3(OPA1):c.*376A>G

Gene: OPA1 (OPA1 mitochondrial dynamin like GTPase; plus strand). Cytogenetic location: 3q29.
Variant type: single nucleotide variant.
Coding change: c.*376A>G on transcript NM_130837.3 (MANE Select); 376 bases downstream of the stop codon, A replaced by G.
Molecular consequence: 3 prime UTR variant.
Genome position (GRCh38, 1-based): chr3:193,694,976, A>G. VCF-style: chr3-193694976-A-G. GRCh37 (hg19) VCF-style: chr3-193412765-A-G.
Other names: c.*376A>G (NM_001354663.2, NM_001354664.2, NM_015560.3 and 6 more transcripts).
Identifiers: ClinVar variation 344493 (VCV000344493.5), dbSNP rs142349183, ClinGen allele CA10615443.

ClinVar aggregate classification (germline): Benign (1 of 4 stars; one submission).

Conditions:
Autosomal dominant optic atrophy classic form (OPA1). Also called: Optic Atrophy Type 1; KJER-TYPE OPTIC ATROPHY; OPTIC ATROPHY, JUVENILE. Identifiers: Orphanet 98673, MedGen C0338508, MONDO:0008134, OMIM 165500.

Allele frequency attached by ClinVar (database versions not stated): gnomAD 0.00211 and 0.00285; TOPMed 0.00294; 1000 Genomes Project 30x 0.00656; 1000 Genomes Project 0.00719.

Submission:

Illumina Laboratory Services, Illumina
Classification: Benign for Autosomal dominant optic atrophy classic form. Last evaluated: 2018-01-13. Review status: criteria provided, single submitter. Criteria: ICSL Variant Classification Criteria 13 December 2019. Collection method: clinical testing. Allele origin: germline.
Comment: This variant was observed in the ICSL laboratory as part of a predisposition screen in an ostensibly healthy population. It had not been previously curated by ICSL or reported in the Human Gene Mutation Database (HGMD: prior to June 1st, 2018), and was therefore a candidate for classification through an automated scoring system. Utilizing variant allele frequency, disease prevalence and penetrance estimates, and inheritance mode, an automated score was calculated to assess if this variant is too frequent to cause the disease. Based on the score and internal cut-off values, a variant classified as benign is not then subjected to further curation. The score for this variant resulted in a classification of benign for this disease.